The following is an entry in ClinVar:

ClinVar aggregate classification (germline): Uncertain significance. Review status: criteria provided, multiple submitters, no conflicts (2 of 4 stars). 2 submissions from 2 submitters: Uncertain significance (2). Last evaluated 2024-10-16.

Conditions:
GRIN2A-related complex neurodevelopmental disorder. Also called: GRIN2A-related disorder; GRIN2A-related condition. Identifiers: MedGen CN379781, MONDO:1060139.

Submissions (2):

PreventionGenetics, part of Exact Sciences
Classification: Uncertain significance for GRIN2A-related condition. Last evaluated: 2024-10-16. Review status: criteria provided, single submitter. Criteria: ACMG Guidelines, 2015. Collection method: clinical testing. Allele origin: germline.
Comment: The GRIN2A c.3092T>C variant is predicted to result in the amino acid substitution p.Val1031Ala. To our knowledge, this variant has not been reported in the literature or in a large population database (gnomAD), indicating this variant is rare. At this time, the clinical significance of this variant is uncertain due to the absence of conclusive functional and genetic evidence.

Women's Health and Genetics/Laboratory Corporation of America, LabCorp
Classification: Uncertain significance. Last evaluated: 2024-10-15. Review status: criteria provided, single submitter. Criteria: LabCorp Variant Classification Summary - May 2015. Collection method: clinical testing. Allele origin: germline.
Comment: Variant summary: GRIN2A c.3092T>C (p.Val1031Ala) results in a non-conservative amino acid change located in the Glutamate [NMDA] receptor, epsilon subunit, C-terminal domain (IPR018884) of the encoded protein sequence. Four of five in-silico tools predict a benign effect of the variant on protein function. The variant was absent in 251256 control chromosomes. The available data on variant occurrences in the general population are insufficient to allow any conclusion about variant significance. To our knowledge, no occurrence of c.3092T>C in individuals affected with Epilepsy, Focal, With Speech Disorder And With Or Without Mental Retardation and no experimental evidence demonstrating its impact on protein function have been reported. No submitters have cited clinical-significance assessments for this variant to ClinVar. Based on the evidence outlined above, the variant was classified as uncertain significance.

NM_001134407.3(GRIN2A):c.3092T>C (p.Val1031Ala)

Gene: GRIN2A (glutamate ionotropic receptor NMDA type subunit 2A; minus strand). Cytogenetic location: 16p13.2.
Variant type: single nucleotide variant.
Coding change: c.3092T>C on transcript NM_001134407.3 (MANE Select); coding-DNA position 3092, T replaced by C.
Protein change: p.Val1031Ala; replaces valine 1031 with alanine.
Molecular consequence: missense variant.
Genome position (GRCh38, 1-based): chr16:9,764,452, A>G on the plus strand (T>C on the coding strand, the complement: GRIN2A is on the minus strand). VCF-style: chr16-9764452-A-G. GRCh37 (hg19) VCF-style: chr16-9858309-A-G.
Other names: c.3092T>C (NM_000833.4); c.3092T>C, p.Val1031Ala (NM_000833.5, NM_001134408.2); short protein forms V1031A.
Identifiers: ClinVar variation 3385290 (VCV003385290.2).